The following is an entry in ClinVar:

ClinVar aggregate classification (germline): Uncertain significance (1 of 4 stars; one submission).

Conditions:
MAP2K2-related disorder. Also called: MAP2K2-related condition.

Submission:

PreventionGenetics, part of Exact Sciences
Classification: Uncertain significance for MAP2K2-related condition. Last evaluated: 2023-03-02. Review status: criteria provided, single submitter. Criteria: ACMG Guidelines, 2015. Collection method: clinical testing. Allele origin: germline.
Comment: The MAP2K2 c.277C>A variant is predicted to result in the amino acid substitution p.Pro93Thr. To our knowledge, this variant has not been reported in the literature or in a large population database, indicating this variant is rare. At this time, the clinical significance of this variant is uncertain due to the absence of conclusive functional and genetic evidence.

NM_030662.4(MAP2K2):c.277C>A (p.Pro93Thr)

Gene: MAP2K2 (mitogen-activated protein kinase kinase 2; minus strand). Cytogenetic location: 19p13.3.
Variant type: single nucleotide variant.
Coding change: c.277C>A on transcript NM_030662.4 (MANE Select); coding-DNA position 277, C replaced by A.
Protein change: p.Pro93Thr; replaces proline 93 with threonine.
Molecular consequence: missense variant.
Genome position (GRCh38, 1-based): chr19:4,117,445, G>T on the plus strand (C>A on the coding strand, the complement: MAP2K2 is on the minus strand). VCF-style: chr19-4117445-G-T. GRCh37 (hg19) VCF-style: chr19-4117443-G-T.
Other names: short protein forms P93T.
Identifiers: ClinVar variation 2633388 (VCV002633388.1), dbSNP rs2145079792, ClinGen allele CA403392444.